The following is an entry in ClinVar:

ClinVar aggregate classification (germline): Uncertain significance (1 of 4 stars; one submission).

Conditions:
Vici syndrome (VICIS). Identifiers: Orphanet 1493, MedGen C1855772, MONDO:0009452, OMIM 242840.

Allele frequency attached by ClinVar (database versions not stated): TOPMed 0.00001.
gnomAD v4.1: 21 of 1,611,172 alleles (0.0013%); highest among the groups gnomAD compares: Non-Finnish European, 0.0017%; no homozygotes.

Submission:

Labcorp Genetics (formerly Invitae), Labcorp
Classification: Uncertain significance for Vici syndrome. Last evaluated: 2022-07-14. Review status: criteria provided, single submitter. Criteria: Invitae Variant Classification Sherloc (09022015). Collection method: clinical testing. Allele origin: germline.
Comment: This sequence change falls in intron 43 of the EPG5 gene. It does not directly change the encoded amino acid sequence of the EPG5 protein. It affects a nucleotide within the consensus splice site. This variant is not present in population databases (gnomAD no frequency). This variant has not been reported in the literature in individuals affected with EPG5-related conditions. Variants that disrupt the consensus splice site are a relatively common cause of aberrant splicing (PMID: 17576681, 9536098). Algorithms developed to predict the effect of sequence changes on RNA splicing suggest that this variant may disrupt the consensus splice site. In summary, the available evidence is currently insufficient to determine the role of this variant in disease. Therefore, it has been classified as a Variant of Uncertain Significance.

Literature cited by the submitters: PubMed 17576681; PubMed 9536098.

NM_020964.3(EPG5):c.7557+5G>C

Gene: EPG5 (ectopic P-granules 5 autophagy tethering factor; minus strand). Cytogenetic location: 18q12.3.
Variant type: single nucleotide variant.
Coding change: c.7557+5G>C on transcript NM_020964.3 (MANE Select); 5 bases into the intron after coding-DNA position 7557, G replaced by C.
Molecular consequence: intron variant.
Genome position (GRCh38, 1-based): chr18:45,855,568, C>G on the plus strand (G>C on the coding strand, the complement: EPG5 is on the minus strand). VCF-style: chr18-45855568-C-G. GRCh37 (hg19) VCF-style: chr18-43435533-C-G.
Identifiers: ClinVar variation 2168770 (VCV002168770.1), dbSNP rs982979789, ClinGen allele CA299688031.